The following is an entry in ClinVar:

NM_006663.4(PPP1R13L):c.194C>A (p.Ser65Tyr)

Gene: PPP1R13L (protein phosphatase 1 regulatory subunit 13 like; minus strand). Cytogenetic location: 19q13.32.
Variant type: single nucleotide variant.
Coding change: c.194C>A on transcript NM_006663.4 (MANE Select); coding-DNA position 194, C replaced by A.
Protein change: p.Ser65Tyr; replaces serine 65 with tyrosine.
Molecular consequence: missense variant.
Genome position (GRCh38, 1-based): chr19:45,398,009, G>T on the plus strand (C>A on the coding strand, the complement: PPP1R13L is on the minus strand). VCF-style: chr19-45398009-G-T. GRCh37 (hg19) VCF-style: chr19-45901267-G-T.
Other names: c.194C>A, p.Ser65Tyr (NM_001142502.2); short protein forms S65Y.
Identifiers: ClinVar variation 2272433 (VCV002272433.3), dbSNP rs767329487, ClinGen allele CA9514737.

ClinVar aggregate classification (germline): Uncertain significance. Review status: criteria provided, multiple submitters, no conflicts (2 of 4 stars). 2 submissions from 2 submitters: Uncertain significance (2). Last evaluated 2025-04-09.

Conditions:
Inborn genetic diseases. Identifiers: MedGen C0950123, MeSH D030342.
Cardiovascular phenotype. Identifiers: MedGen CN230736.

Submissions (2):

Molecular Diagnostic Laboratory for Inherited Cardiovascular Disease, Montreal Heart Institute
Classification: Uncertain significance for Cardiovascular phenotype. Last evaluated: 2025-04-09. Review status: criteria provided, single submitter. Criteria: ACMG Guidelines, 2015. Collection method: clinical testing. Allele origin: germline. Affected: yes.
Comment: PM2;PP3

Ambry Genetics
Classification: Uncertain significance for Inborn genetic diseases. Last evaluated: 2022-01-19. Review status: criteria provided, single submitter. Criteria: Ambry Variant Classification Scheme 2023. Collection method: clinical testing. Allele origin: germline.